The following is an entry in ClinVar:

ClinVar aggregate classification (germline): Uncertain significance (1 of 4 stars; one submission).

Conditions:
Inborn genetic diseases. Identifiers: MedGen C0950123, MeSH D030342.

gnomAD v4.1: 4 of 1,614,028 alleles (0.00025%); highest among the groups gnomAD compares: Non-Finnish European, 0.00034%; no homozygotes.

Submission:

Ambry Genetics
Classification: Uncertain significance for Inborn genetic diseases. Last evaluated: 2023-01-08. Review status: criteria provided, single submitter. Criteria: Ambry Variant Classification Scheme 2023. Collection method: clinical testing. Allele origin: germline.
Comment: The p.N569H variant (also known as c.1705A>C), located in coding exon 12 of the EPAS1 gene, results from an A to C substitution at nucleotide position 1705. The asparagine at codon 569 is replaced by histidine, an amino acid with similar properties. This amino acid position is conserved. In addition, this alteration is predicted to be tolerated by in silico analysis. Since supporting evidence is limited at this time, the clinical significance of this alteration remains unclear.

NM_001430.5(EPAS1):c.1705A>C (p.Asn569His)

Gene: EPAS1 (endothelial PAS domain protein 1; plus strand). Cytogenetic location: 2p21.
Variant type: single nucleotide variant.
Coding change: c.1705A>C on transcript NM_001430.5 (MANE Select); coding-DNA position 1705, A replaced by C.
Protein change: p.Asn569His; replaces asparagine 569 with histidine.
Molecular consequence: missense variant.
Genome position (GRCh38, 1-based): chr2:46,380,377, A>C. VCF-style: chr2-46380377-A-C. GRCh37 (hg19) VCF-style: chr2-46607516-A-C.
Other names: short protein forms N569H.
Identifiers: ClinVar variation 2450311 (VCV002450311.2), dbSNP rs770424470, ClinGen allele CA346704708.